The following is an entry in ClinVar:

NM_001355436.2(SPTB):c.2135C>T (p.Pro712Leu)

Gene: SPTB (spectrin beta, erythrocytic; minus strand). Cytogenetic location: 14q23.3.
Variant type: single nucleotide variant.
Coding change: c.2135C>T on transcript NM_001355436.2 (MANE Select); coding-DNA position 2135, C replaced by T.
Protein change: p.Pro712Leu; replaces proline 712 with leucine.
Molecular consequence: missense variant.
Genome position (GRCh38, 1-based): chr14:64,793,528, G>A on the plus strand (C>T on the coding strand, the complement: SPTB is on the minus strand). VCF-style: chr14-64793528-G-A. GRCh37 (hg19) VCF-style: chr14-65260246-G-A.
Other names: NM_000347.5:c.2135C>T; c.2135C>T, p.Pro712Leu (NM_001024858.4, NM_001355437.2); short protein forms P712L.
Identifiers: ClinVar variation 2994518 (VCV002994518.4), dbSNP rs1399245468, ClinGen allele CA390018953.

ClinVar aggregate classification (germline): Uncertain significance. Review status: criteria provided, multiple submitters, no conflicts (2 of 4 stars). 2 submissions from 2 submitters: Uncertain significance (2). Last evaluated 2024-12-17.

Allele frequency attached by ClinVar (database versions not stated): gnomAD exomes below 0.00001; TOPMed 0.00002.
gnomAD v4.1: 6 of 1,614,050 alleles (0.00037%); highest among the groups gnomAD compares: South Asian, 0.0011%; no homozygotes.

Submissions (2):

GeneDx
Classification: Uncertain significance. Last evaluated: 2024-12-17. Review status: criteria provided, single submitter. Criteria: GeneDx Variant Classification Process June 2021. Collection method: clinical testing. Allele origin: germline. Affected: yes.
Comment: In silico analysis supports that this missense variant has a deleterious effect on protein structure/function; Has not been previously published as pathogenic or benign to our knowledge

Labcorp Genetics (formerly Invitae), Labcorp
Classification: Uncertain significance. Last evaluated: 2023-11-13. Review status: criteria provided, single submitter. Criteria: Invitae Variant Classification Sherloc (09022015). Collection method: clinical testing. Allele origin: germline.
Comment: This sequence change replaces proline, which is neutral and non-polar, with leucine, which is neutral and non-polar, at codon 712 of the SPTB protein (p.Pro712Leu). This variant is present in population databases (no rsID available, gnomAD 0.0009%). This variant has not been reported in the literature in individuals affected with SPTB-related conditions. An algorithm developed to predict the effect of missense changes on protein structure and function (PolyPhen-2) suggests that this variant is likely to be disruptive. In summary, the available evidence is currently insufficient to determine the role of this variant in disease. Therefore, it has been classified as a Variant of Uncertain Significance.